The following is an entry in ClinVar:

NM_017934.7(PHIP):c.41-7C>T

Gene: PHIP (PHIP subunit of CUL4-Ring ligase complex; minus strand). Cytogenetic location: 6q14.1.
Variant type: single nucleotide variant.
Coding change: c.41-7C>T on transcript NM_017934.7 (MANE Select); 7 bases into the intron before coding-DNA position 41, C replaced by T.
Molecular consequence: intron variant.
Genome position (GRCh38, 1-based): chr6:79,077,920, G>A on the plus strand (C>T on the coding strand, the complement: PHIP is on the minus strand). VCF-style: chr6-79077920-G-A. GRCh37 (hg19) VCF-style: chr6-79787637-G-A.
Other names: c.41-7C>T (NM_017934.6).
Identifiers: ClinVar variation 1980570 (VCV001980570.6), dbSNP rs757721869, ClinGen allele CA451046058.

ClinVar aggregate classification (germline): Likely benign. Review status: criteria provided, single submitter (1 of 4 stars). 2 submissions from 2 submitters: Likely benign (1). 1 of the submissions does not count toward it. Last evaluated 2025-05-05.

Conditions:
PHIP-related disorder. Also called: PHIP-related disorders; PHIP-related condition.

Allele frequency attached by ClinVar (database versions not stated): gnomAD 0.00003; TOPMed 0.00003.
gnomAD v4.1: 21 of 1,594,096 alleles (0.0013%); highest among the groups gnomAD compares: Non-Finnish European, 0.0017%; no homozygotes.

Submissions (2):

Labcorp Genetics (formerly Invitae), Labcorp
Classification: Likely benign. Last evaluated: 2025-05-05. Review status: criteria provided, single submitter. Criteria: Invitae Variant Classification Sherloc (09022015). Collection method: clinical testing. Allele origin: germline.

PreventionGenetics, part of Exact Sciences
Classification: Likely benign for PHIP-related condition. Last evaluated: 2022-12-29. Review status: no assertion criteria provided. Collection method: clinical testing. Allele origin: germline. Not counted in ClinVar's aggregate classification.
Comment: This variant is classified as likely benign based on ACMG/AMP sequence variant interpretation guidelines (Richards et al. 2015 PMID: 25741868, with internal and published modifications).